The following is an entry in ClinVar:

ClinVar aggregate classification (germline): Uncertain significance. Review status: criteria provided, multiple submitters, no conflicts (2 of 4 stars). 2 submissions from 2 submitters: Uncertain significance (2). Last evaluated 2024-10-15.

Conditions:
Cardiomyopathy (CMYO). Also called: Cardiomyopathies. Identifiers: Orphanet 167848, MedGen C0878544, MONDO:0004994, HP:0001638. Inheritance: Various modes of inheritance.
Cardiovascular phenotype. Identifiers: MedGen CN230736.

Submissions (2):

Color Diagnostics, LLC DBA Color Health
Classification: Uncertain significance for Cardiomyopathy. Last evaluated: 2024-10-15. Review status: criteria provided, single submitter. Criteria: ACMG Guidelines, 2015. Collection method: clinical testing. Allele origin: germline.
Comment: This variant causes an A to G nucleotide substitution at the -4 position of intron 10/104 of the RYR2 gene. To our knowledge, functional studies have not been reported for this variant. This variant has not been reported in individuals affected with RYR2-related disorders in the literature. This variant has not been identified in the general population by the Genome Aggregation Database (gnomAD). The available evidence is insufficient to determine the role of this variant in disease conclusively. Therefore, this variant is classified as a Variant of Uncertain Significance.

Ambry Genetics
Classification: Uncertain significance for Cardiovascular phenotype. Last evaluated: 2019-09-10. Review status: criteria provided, single submitter. Criteria: Ambry Variant Classification Scheme 2023. Collection method: clinical testing. Allele origin: germline.
Comment: The c.774-4A>G intronic variant results from an A to G substitution 4 nucleotides upstream from coding exon 11 in the RYR2 gene. This nucleotide position is not well conserved in available vertebrate species. Using the BDGP and ESEfinder splice site prediction tools, this alteration is not predicted to have any significant effect on this splice acceptor site; however, direct evidence is unavailable. Since supporting evidence is limited at this time, the clinical significance of this alteration remains unclear.

NM_001035.3(RYR2):c.774-4A>G

Gene: RYR2 (ryanodine receptor 2; plus strand). Cytogenetic location: 1q43.
Variant type: single nucleotide variant.
Coding change: c.774-4A>G on transcript NM_001035.3 (MANE Select); 4 bases into the intron before coding-DNA position 774, A replaced by G.
Molecular consequence: intron variant.
Genome position (GRCh38, 1-based): chr1:237,417,045, A>G. VCF-style: chr1-237417045-A-G. GRCh37 (hg19) VCF-style: chr1-237580345-A-G.
Identifiers: ClinVar variation 1760413 (VCV001760413.3), dbSNP rs2528015279, ClinGen allele CA2580062386.